The following is an entry in ClinVar:

ClinVar aggregate classification (germline): Likely benign. Review status: criteria provided, multiple submitters, no conflicts (2 of 4 stars). 2 submissions from 2 submitters: Likely benign (2). Last evaluated 2025-08-13.

Conditions:
Pityriasis rubra pilaris (PRP). Also called: Pityriasis rubra pilaris--familial type. Identifiers: Orphanet 2897, MedGen C0032027, MONDO:0100017, OMIM 173200, MONDO:0008251.
Psoriasis 2. Identifiers: MedGen C1864497, MONDO:0011269, OMIM 602723.

Allele frequency attached by ClinVar (database versions not stated): TOPMed 0.00001.
gnomAD v4.1: 6 of 1,591,760 alleles (0.00038%); no homozygotes.

Submissions (2):

Mayo Clinic Laboratories, Mayo Clinic
Classification: Likely benign. Last evaluated: 2025-08-13. Review status: criteria provided, single submitter. Criteria: ACMG Guidelines, 2015. Collection method: clinical testing. Allele origin: germline. Observed: 1 variant allele.
Comment: BP4, BP7

Labcorp Genetics (formerly Invitae), Labcorp
Classification: Likely benign for Pityriasis rubra pilaris; Psoriasis 2. Last evaluated: 2025-04-07. Review status: criteria provided, single submitter. Criteria: Invitae Variant Classification Sherloc (09022015). Collection method: clinical testing. Allele origin: germline.

NM_001366385.1(CARD14):c.2244C>T (p.Leu748=)

Genes: SGSH (N-sulfoglucosamine sulfohydrolase; minus strand), CARD14 (caspase recruitment domain family member 14; plus strand). Cytogenetic location: 17q25.3.
Variant type: single nucleotide variant.
Coding change: c.2244C>T on transcript NM_001366385.1 (MANE Select); coding-DNA position 2244, C replaced by T.
Protein change: p.Leu748=; no amino-acid change (leucine 748 retained).
Molecular consequence: synonymous variant. On other transcripts: non-coding transcript variant (1).
Genome position (GRCh38, 1-based): chr17:80,203,846, C>T. VCF-style: chr17-80203846-C-T. GRCh37 (hg19) VCF-style: chr17-78177645-C-T.
Other names: p.Leu748=; c.2244C>T, p.Leu748= (NM_024110.4).
Identifiers: ClinVar variation 2930073 (VCV002930073.4), dbSNP rs1431682574, ClinGen allele CA502192251.